The following is an entry in ClinVar:

ClinVar aggregate classification (germline): Uncertain significance (1 of 4 stars; one submission).

Allele frequency attached by ClinVar (database versions not stated): gnomAD exomes 0.00001; gnomAD 0.00003; TOPMed 0.00003; ExAC 0.00004; ESP Exome Variant Server 0.00008; 1000 Genomes Project 30x 0.00016; 1000 Genomes Project 0.00020.
gnomAD v4.1: 16 of 1,613,304 alleles (0.00099%); highest among the groups gnomAD compares: Non-Finnish European, 0.0013%; no homozygotes.

Submission:

Labcorp Genetics (formerly Invitae), Labcorp
Classification: Uncertain significance. Last evaluated: 2025-06-03. Review status: criteria provided, single submitter. Criteria: Invitae Variant Classification Sherloc (09022015). Collection method: clinical testing. Allele origin: germline.
Comment: This sequence change replaces glutamine, which is neutral and polar, with glutamic acid, which is acidic and polar, at codon 734 of the PRPF6 protein (p.Gln734Glu). This variant is present in population databases (rs150405861, gnomAD 0.006%). This variant has not been reported in the literature in individuals affected with PRPF6-related conditions. ClinVar contains an entry for this variant (Variation ID: 1938857). Invitae Evidence Modeling of protein sequence and biophysical properties (such as structural, functional, and spatial information, amino acid conservation, physicochemical variation, residue mobility, and thermodynamic stability) indicates that this missense variant is not expected to disrupt PRPF6 protein function with a negative predictive value of 80%. In summary, the available evidence is currently insufficient to determine the role of this variant in disease. Therefore, it has been classified as a Variant of Uncertain Significance.

NM_012469.4(PRPF6):c.2200C>G (p.Gln734Glu)

Gene: PRPF6 (pre-mRNA processing factor 6; plus strand). Cytogenetic location: 20q13.33.
Variant type: single nucleotide variant.
Coding change: c.2200C>G on transcript NM_012469.4 (MANE Select); coding-DNA position 2200, C replaced by G.
Protein change: p.Gln734Glu; replaces glutamine 734 with glutamic acid.
Molecular consequence: missense variant.
Genome position (GRCh38, 1-based): chr20:64,027,153, C>G. VCF-style: chr20-64027153-C-G. GRCh37 (hg19) VCF-style: chr20-62658506-C-G.
Other names: short protein forms Q734E.
Identifiers: ClinVar variation 1938857 (VCV001938857.5), dbSNP rs150405861, ClinGen allele CA9972383.